The following is an entry in ClinVar:

ClinVar aggregate classification (germline): Likely pathogenic. Review status: criteria provided, multiple submitters, no conflicts (2 of 4 stars). 5 submissions from 5 submitters: Likely pathogenic (4). 1 of the submissions does not count toward it. Last evaluated 2025-11-24.

Conditions:
Hyperammonemia, type III (NAGSD). Also called: Hyperammonemia due to N-acetylglutamate synthase deficiency. Identifiers: Orphanet 927, MedGen C0268543, MONDO:0009377, OMIM 237310.

Allele frequency attached by ClinVar (database versions not stated): gnomAD exomes below 0.00001; TOPMed 0.00001.

Submissions (5):

Natera, Inc.
Classification: Likely pathogenic for Hyperammonemia type III. Last evaluated: 2025-11-24. Review status: criteria provided, single submitter. Criteria: Natera Variant Classification Schema (03/2026). Collection method: clinical testing. Allele origin: germline.
Comment: The c.1289T>C variant in NAGS is a missense variant predicted to cause substitution of leucine to proline at amino acid 430. This variant is rare in the general population with a frequency below the threshold expected for the associated phenotype(s). This variant has been observed in one or more individuals affected with the associated recessive disease, as either homozygous or compound heterozygous with a second variant (PMID: 12754705, 27037498). This variant has been identified in one or more affected individual with a phenotype highly consistent with the associated gene (PMID: 12754705). Computational prediction algorithms indicate this variant is likely to affect gene or protein function. Given the available evidence, this variant is classified as Likely Pathogenic.

Baylor Genetics
Classification: Likely pathogenic for Hyperammonemia, type III. Last evaluated: 2024-03-29. Review status: criteria provided, single submitter. Criteria: ACMG Guidelines, 2015. Collection method: clinical testing. Allele origin: unknown.

Labcorp Genetics (formerly Invitae), Labcorp
Classification: Likely pathogenic for Hyperammonemia, type III. Last evaluated: 2024-03-04. Review status: criteria provided, single submitter. Criteria: Invitae Variant Classification Sherloc (09022015). Collection method: clinical testing. Allele origin: germline.
Comment: This sequence change replaces leucine, which is neutral and non-polar, with proline, which is neutral and non-polar, at codon 430 of the NAGS protein (p.Leu430Pro). This variant is not present in population databases (gnomAD no frequency). This missense change has been observed in individuals with N-acetylglutamate synthase (NAGS) deficiency (PMID: 12754705, 27037498; Invitae). ClinVar contains an entry for this variant (Variation ID: 2432). Advanced modeling of protein sequence and biophysical properties (such as structural, functional, and spatial information, amino acid conservation, physicochemical variation, residue mobility, and thermodynamic stability) performed at Invitae indicates that this missense variant is not expected to disrupt NAGS protein function with a negative predictive value of 80%. Experimental studies have shown that this missense change affects NAGS function (PMID: 15878741, 27037498). In summary, the currently available evidence indicates that the variant is pathogenic, but additional data are needed to prove that conclusively. Therefore, this variant has been classified as Likely Pathogenic.

Fulgent Genetics
Classification: Likely pathogenic for Hyperammonemia, type III. Last evaluated: 2024-01-04. Review status: criteria provided, single submitter. Criteria: ACMG Guidelines, 2015. Collection method: clinical testing. Allele origin: germline.

OMIM
Classification: Pathogenic for N-ACETYLGLUTAMATE SYNTHASE DEFICIENCY. Last evaluated: 2007-08-01. Review status: no assertion criteria provided. Collection method: literature only. Allele origin: germline. Not counted in ClinVar's aggregate classification.

Literature cited by the submitters: PubMed 12754705 (cited by 3 submitters); PubMed 27037498 (cited by Natera, Inc. and Labcorp Genetics (formerly Invitae), Labcorp); PubMed 15878741 (cited by Labcorp Genetics (formerly Invitae), Labcorp); PubMed 17421020 (cited by OMIM).

NM_153006.3(NAGS):c.1289T>C (p.Leu430Pro)

Gene: NAGS (N-acetylglutamate synthase; plus strand). Cytogenetic location: 17q21.31.
Variant type: single nucleotide variant.
Coding change: c.1289T>C on transcript NM_153006.3 (MANE Select); coding-DNA position 1289, T replaced by C.
Protein change: p.Leu430Pro; replaces leucine 430 with proline.
Molecular consequence: missense variant.
Genome position (GRCh38, 1-based): chr17:44,007,611, T>C. VCF-style: chr17-44007611-T-C. GRCh37 (hg19) VCF-style: chr17-42084979-T-C.
Other names: c.1289T>C (NM_153006.2); short protein forms L430P.
Identifiers: ClinVar variation 2432 (VCV000002432.8), dbSNP rs104894605, ClinGen allele CA115549.